The following is an entry in ClinVar:

NM_002047.4(GARS1):c.1032-149A>T

Gene: GARS1 (glycyl-tRNA synthetase 1; plus strand). Cytogenetic location: 7p14.3.
Variant type: single nucleotide variant.
Coding change: c.1032-149A>T on transcript NM_002047.4 (MANE Select); 149 bases into the intron before coding-DNA position 1032, A replaced by T.
Molecular consequence: intron variant.
Genome position (GRCh38, 1-based): chr7:30,615,747, A>T. VCF-style: chr7-30615747-A-T. GRCh37 (hg19) VCF-style: chr7-30655363-A-T.
Other names: c.870-149A>T (NM_001316772.1).
Identifiers: ClinVar variation 676234 (VCV000676234.1), dbSNP rs17159280, ClinGen allele CA15496928.

ClinVar aggregate classification (germline): Benign (1 of 4 stars; one submission).

Allele frequency attached by ClinVar (database versions not stated): 1000 Genomes Project 30x 0.02186; 1000 Genomes Project 0.02256; gnomAD exomes 0.02738; gnomAD 0.03551 and 0.03786; TOPMed 0.03917.
gnomAD v4.1: 24,924 of 859,068 alleles (2.9%); highest among the groups gnomAD compares: African/African-American, 5.6%; 441 homozygotes.

Submission:

GeneDx
Classification: Benign. Last evaluated: 2018-06-14. Review status: criteria provided, single submitter. Criteria: GeneDx Variant Classification (06012015). Collection method: clinical testing. Allele origin: germline. Affected: yes.
Comment: This variant is considered likely benign or benign based on one or more of the following criteria: it is a conservative change, it occurs at a poorly conserved position in the protein, it is predicted to be benign by multiple in silico algorithms, and/or has population frequency not consistent with disease.